The following is an entry in ClinVar:

NM_001378454.1(ALMS1):c.4938T>C (p.Ala1646=)

Gene: ALMS1 (ALMS1 centrosome and basal body associated protein; plus strand). Cytogenetic location: 2p13.1.
Variant type: single nucleotide variant.
Coding change: c.4938T>C on transcript NM_001378454.1 (MANE Select); coding-DNA position 4938, T replaced by C.
Protein change: p.Ala1646=; no amino-acid change (alanine 1646 retained).
Molecular consequence: synonymous variant.
Genome position (GRCh38, 1-based): chr2:73,451,465, T>C. VCF-style: chr2-73451465-T-C. GRCh37 (hg19) VCF-style: chr2-73678592-T-C.
Other names: c.4941T>C, p.Ala1647= (NM_015120.4).
Identifiers: ClinVar variation 4998403 (VCV004998403.1).

ClinVar aggregate classification (germline): Likely benign (1 of 4 stars; one submission).

Conditions:
ALMS1-related disorder. Also called: ALMS1-related condition.

Submission:

PreventionGenetics, part of Exact Sciences
Classification: Likely benign for ALMS1-related condition. Last evaluated: 2025-04-24. Review status: criteria provided, single submitter. Criteria: ACMG Guidelines, 2015. Collection method: clinical testing. Allele origin: germline.
Comment: This variant is classified as likely benign based on ACMG/AMP sequence variant interpretation guidelines (Richards et al. 2015 PMID: 25741868, with internal and published modifications).